The following is an entry in ClinVar:

ClinVar aggregate classification (germline): Uncertain significance (1 of 4 stars; one submission).

Conditions:
5-Oxoprolinase deficiency (OPLAHD). Also called: 5-OXOPROLINURIA DUE TO 5-OXOPROLINASE DEFICIENCY. Identifiers: Orphanet 33572, MedGen C0268525, MONDO:0009825, OMIM 260005, HP:0040142.

Submission:

Labcorp Genetics (formerly Invitae), Labcorp
Classification: Uncertain significance for 5-Oxoprolinase deficiency. Last evaluated: 2022-03-28. Review status: criteria provided, single submitter. Criteria: Invitae Variant Classification Sherloc (09022015). Collection method: clinical testing. Allele origin: germline.
Comment: In summary, the available evidence is currently insufficient to determine the role of this variant in disease. Therefore, it has been classified as a Variant of Uncertain Significance. Experimental studies and prediction algorithms are not available or were not evaluated, and the functional significance of this variant is currently unknown. This variant has not been reported in the literature in individuals affected with OPLAH-related conditions. This variant is present in population databases (rs782410745, gnomAD 0.004%). This sequence change replaces threonine, which is neutral and polar, with methionine, which is neutral and non-polar, at codon 473 of the OPLAH protein (p.Thr473Met).

NM_017570.5(OPLAH):c.1418C>T (p.Thr473Met)

Gene: OPLAH (5-oxoprolinase, ATP-hydrolysing; minus strand). Cytogenetic location: 8q24.3.
Variant type: single nucleotide variant.
Coding change: c.1418C>T on transcript NM_017570.5 (MANE Select); coding-DNA position 1418, C replaced by T.
Protein change: p.Thr473Met; replaces threonine 473 with methionine.
Molecular consequence: missense variant.
Genome position (GRCh38, 1-based): chr8:144,057,452, G>A on the plus strand (C>T on the coding strand, the complement: OPLAH is on the minus strand). VCF-style: chr8-144057452-G-A. GRCh37 (hg19) VCF-style: chr8-145112355-G-A.
Other names: short protein forms T473M.
Identifiers: ClinVar variation 1952829 (VCV001952829.5), dbSNP rs782410745, ClinGen allele CA4931881.